The following is an entry in ClinVar:

ClinVar aggregate classification (germline): Uncertain significance (0 of 4 stars; one submission).

Allele frequency attached by ClinVar (database versions not stated): gnomAD 0.00007 and 0.00008; TOPMed 0.00013; ExAC 0.00002; gnomAD exomes 0.00004; 1000 Genomes Project 30x 0.00016; 1000 Genomes Project 0.00020.

Submissions (2):

Department of Pathology and Laboratory Medicine, Sinai Health System
Classification: Uncertain significance. Review status: no assertion criteria provided. Collection method: clinical testing. Allele origin: unknown. Affected: yes. Study: The Canadian Open Genetics Repository (COGR).
Comment: The TRAPPC6B c.149+12G>A variant was not identified in the literature nor was it identified in ClinVar or Cosmic. The variant was identified in dbSNP (ID: rs199502988) and also identified in control databases in 14 of 260506 chromosomes at a frequency of 0.000054 (Genome Aggregation Database Feb 27, 2017). The variant was observed in the following population: African in 14 of 23264 chromosomes (freq: 0.000602), while the variant was not observed in the Latino, Ashkenazi Jewish, East Asian, European (Finnish), European (non-Finnish), Other and South Asian populations. The variant occurs outside of the splicing consensus sequence and 3 of 4 in silico or computational prediction software programs (SpliceSiteFinder, NNSPLICE, GeneSplicer) predict a greater than 10% difference in splicing. SpliceSiteFinder-like and NNSplice predict the gain of a 5' splice site at c.149+8 and GeneSplicer predicts the strengthening of a 5' splice site at c.149. However, this information is not predictive enough to assume pathogenicity. In summary, based on the above information the clinical significance of this variant cannot be determined with certainty at this time. This variant is classified as a variant of uncertain significance.

Dr. Peter K. Rogan Lab, Western University
No classification provided (evidence only). Condition: Lung cancer. Review status: no classification provided. Collection method: in vitro. Allele origin: not applicable. Functional consequence: skipped exon, retained intron. Not counted in ClinVar's aggregate classification.

NM_001079537.2(TRAPPC6B):c.149+12G>A

Gene: TRAPPC6B (trafficking protein particle complex subunit 6B; minus strand). Cytogenetic location: 14q21.1.
Variant type: single nucleotide variant.
Coding change: c.149+12G>A on transcript NM_001079537.2 (MANE Select); 12 bases into the intron after coding-DNA position 149, G replaced by A.
Molecular consequence: intron variant.
Genome position (GRCh38, 1-based): chr14:39,159,471, C>T on the plus strand (G>A on the coding strand, the complement: TRAPPC6B is on the minus strand). VCF-style: chr14-39159471-C-T. GRCh37 (hg19) VCF-style: chr14-39628675-C-T.
Other names: NC_000014.8:g.39628675C>T; c.149+12G>A (NM_177452.4).
Identifiers: ClinVar variation 1050709 (VCV001050709.2), dbSNP rs199502988, ClinGen allele CA7162850.